The following is an entry in ClinVar:

NM_014714.4(IFT140):c.2678A>G (p.Glu893Gly)

Gene: IFT140 (intraflagellar transport 140; minus strand). Cytogenetic location: 16p13.3.
Variant type: single nucleotide variant.
Coding change: c.2678A>G on transcript NM_014714.4 (MANE Select); coding-DNA position 2678, A replaced by G.
Protein change: p.Glu893Gly; replaces glutamic acid 893 with glycine.
Molecular consequence: missense variant.
Genome position (GRCh38, 1-based): chr16:1,525,977, T>C on the plus strand (A>G on the coding strand, the complement: IFT140 is on the minus strand). VCF-style: chr16-1525977-T-C. GRCh37 (hg19) VCF-style: chr16-1575978-T-C.
Other names: short protein forms E893G.
Identifiers: ClinVar variation 4538065 (VCV004538065.2).

ClinVar aggregate classification (germline): Uncertain significance. Review status: criteria provided, multiple submitters, no conflicts (2 of 4 stars). 2 submissions from 2 submitters: Uncertain significance (2). Last evaluated 2025-06-10.

Conditions:
Saldino-Mainzer syndrome (SRTD9). Also called: CONORENAL SYNDROME; Renal dysplasia, retinal pigmentary dystrophy, cerebellar ataxia and skeletal dysplasia; SHORT-RIB THORACIC DYSPLASIA 9 WITHOUT POLYDACTYLY; short-rib thoracic dysplasia 9 with or without polydactyly. Identifiers: Orphanet 140969, MedGen C1849437, MONDO:0009964, OMIM 266920.

gnomAD v4.1: 6 of 1,592,350 alleles (0.00038%); highest among the groups gnomAD compares: African/African-American, 0.0067%; no homozygotes.

Submissions (2):

GeneDx
Classification: Uncertain significance. Last evaluated: 2025-06-10. Review status: criteria provided, single submitter. Criteria: GeneDx Variant Classification Process June 2021. Collection method: clinical testing. Allele origin: germline. Affected: yes.
Comment: In silico analysis supports that this missense variant has a deleterious effect on protein structure/function; Has not been previously published as pathogenic or benign to our knowledge

Labcorp Genetics (formerly Invitae), Labcorp
Classification: Uncertain significance for Saldino-Mainzer syndrome. Last evaluated: 2025-05-12. Review status: criteria provided, single submitter. Criteria: Invitae Variant Classification Sherloc (09022015). Collection method: clinical testing. Allele origin: germline.
Comment: This sequence change replaces glutamic acid, which is acidic and polar, with glycine, which is neutral and non-polar, at codon 893 of the IFT140 protein (p.Glu893Gly). The frequency data for this variant in the population databases is considered unreliable, as metrics indicate poor data quality at this position in the gnomAD database. This variant has not been reported in the literature in individuals affected with IFT140-related conditions. Invitae Evidence Modeling of protein sequence and biophysical properties (such as structural, functional, and spatial information, amino acid conservation, physicochemical variation, residue mobility, and thermodynamic stability) has been performed for this missense variant. However, the output from this modeling did not meet the statistical confidence thresholds required to predict the impact of this variant on IFT140 protein function. In summary, the available evidence is currently insufficient to determine the role of this variant in disease. Therefore, it has been classified as a Variant of Uncertain Significance.